The following is an entry in ClinVar:

NM_032119.4(ADGRV1):c.13293T>C (p.Tyr4431=)

Gene: ADGRV1 (adhesion G protein-coupled receptor V1; plus strand). Cytogenetic location: 5q14.3.
Variant type: single nucleotide variant.
Coding change: c.13293T>C on transcript NM_032119.4 (MANE Select); coding-DNA position 13293, T replaced by C.
Protein change: p.Tyr4431=; no amino-acid change (tyrosine 4431 retained).
Molecular consequence: synonymous variant. On other transcripts: non-coding transcript variant (1).
Genome position (GRCh38, 1-based): chr5:90,783,185, T>C. VCF-style: chr5-90783185-T-C. GRCh37 (hg19) VCF-style: chr5-90079002-T-C.
Identifiers: ClinVar variation 754075 (VCV000754075.38), dbSNP rs375468899, ClinGen allele CA3341496.

ClinVar aggregate classification (germline): Conflicting classifications of pathogenicity. Review status: criteria provided, conflicting classifications (1 of 4 stars). 5 submissions from 5 submitters: Uncertain significance (1); Likely benign (4). Last evaluated 2025-11-24.

Conditions:
ADGRV1-related disorder. Also called: ADGRV1-related disorders; ADGRV1-related condition.
Usher syndrome type 2C. Also called: USHER SYNDROME, TYPE IIC; Usher syndrome, type 2B. Identifiers: Orphanet 231178, Orphanet 886, MedGen C2931213, MONDO:0011558, OMIM 605472.

Allele frequency attached by ClinVar (database versions not stated): gnomAD 0.00012; gnomAD exomes 0.00014 and 0.00007; TOPMed 0.00014; ExAC 0.00004; ESP Exome Variant Server 0.00008.
gnomAD v4.1: 217 of 1,613,592 alleles (0.013%); highest among the groups gnomAD compares: Middle Eastern, 0.033%; 1 homozygote.

Submissions (5):

Labcorp Genetics (formerly Invitae), Labcorp
Classification: Likely benign. Last evaluated: 2025-11-24. Review status: criteria provided, single submitter. Criteria: Invitae Variant Classification Sherloc (09022015). Collection method: clinical testing. Allele origin: germline.

PreventionGenetics, part of Exact Sciences
Classification: Likely benign for ADGRV1-related condition. Last evaluated: 2025-04-09. Review status: criteria provided, single submitter. Criteria: ACMG Guidelines, 2015. Collection method: clinical testing. Allele origin: germline.
Comment: This variant is classified as likely benign based on ACMG/AMP sequence variant interpretation guidelines (Richards et al. 2015 PMID: 25741868, with internal and published modifications).

Blueprint Genetics
Classification: Likely benign. Last evaluated: 2022-10-26. Review status: criteria provided, single submitter. Criteria: ACMG Guidelines, 2015. Collection method: clinical testing. Allele origin: germline.

CeGaT Center for Human Genetics Tuebingen
Classification: Likely benign. Last evaluated: 2022-04-01. Review status: criteria provided, single submitter. Criteria: CeGaT Center For Human Genetics Tuebingen Variant Classification Criteria Version 2. Collection method: clinical testing. Allele origin: germline. Affected: yes. Observed: 1 variant allele.
Comment: ADGRV1: BP4, BP7

Illumina Laboratory Services, Illumina
Classification: Uncertain significance for Usher syndrome type 2C. Last evaluated: 2018-01-12. Review status: criteria provided, single submitter. Criteria: ICSL Variant Classification Criteria 13 December 2019. Collection method: clinical testing. Allele origin: germline.